The following is an entry in ClinVar:

NM_001164508.2(NEB):c.23314C>T (p.His7772Tyr)

Genes: NEB (nebulin; minus strand), RIF1 (replication timing regulatory factor 1; plus strand). Cytogenetic location: 2q23.3.
Variant type: single nucleotide variant.
Coding change: c.23314C>T on transcript NM_001164508.2 (MANE Select); coding-DNA position 23314, C replaced by T.
Protein change: p.His7772Tyr; replaces histidine 7772 with tyrosine.
Molecular consequence: missense variant.
Genome position (GRCh38, 1-based): chr2:151,512,765, G>A on the plus strand (C>T on the coding strand, the complement: NEB is on the minus strand). VCF-style: chr2-151512765-G-A. GRCh37 (hg19) VCF-style: chr2-152369279-G-A.
Other names: c.23314C>T, p.His7772Tyr (NM_001164507.2); c.23419C>T, p.His7807Tyr (NM_001271208.2); c.18211C>T, p.His6071Tyr (NM_004543.5); short protein forms H6071Y, H7772Y, H7807Y.
Identifiers: ClinVar variation 1011256 (VCV001011256.9), dbSNP rs2075487458, ClinGen allele CA348749847.

ClinVar aggregate classification (germline): Uncertain significance (1 of 4 stars; one submission).

Conditions:
Nemaline myopathy 2 (NEM2). Also called: Nemaline myopathy 2, autosomal recessive. Identifiers: MedGen C1850569, MONDO:0009725, OMIM 256030.

Submission:

Labcorp Genetics (formerly Invitae), Labcorp
Classification: Uncertain significance for Nemaline myopathy 2. Last evaluated: 2020-12-29. Review status: criteria provided, single submitter. Criteria: Invitae Variant Classification Sherloc (09022015). Collection method: clinical testing. Allele origin: germline.
Comment: Algorithms developed to predict the effect of missense changes on protein structure and function are either unavailable or do not agree on the potential impact of this missense change (SIFT: "Deleterious"; PolyPhen-2: "Not Available"; Align-GVGD: "Class C0"). This variant has not been reported in the literature in individuals with NEB-related conditions. This variant is not present in population databases (ExAC no frequency). This sequence change replaces histidine with tyrosine at codon 7807 of the NEB protein (p.His7807Tyr). The histidine residue is moderately conserved and there is a moderate physicochemical difference between histidine and tyrosine. In summary, the available evidence is currently insufficient to determine the role of this variant in disease. Therefore, it has been classified as a Variant of Uncertain Significance.